The following is an entry in ClinVar:

NM_005245.4(FAT1):c.5881G>A (p.Gly1961Ser)

Gene: FAT1 (FAT atypical cadherin 1; minus strand). Cytogenetic location: 4q35.2.
Variant type: single nucleotide variant.
Coding change: c.5881G>A on transcript NM_005245.4 (MANE Select); coding-DNA position 5881, G replaced by A.
Protein change: p.Gly1961Ser; replaces glycine 1961 with serine.
Molecular consequence: missense variant.
Genome position (GRCh38, 1-based): chr4:186,620,705, C>T on the plus strand (G>A on the coding strand, the complement: FAT1 is on the minus strand). VCF-style: chr4-186620705-C-T. GRCh37 (hg19) VCF-style: chr4-187541859-C-T.
Other names: short protein forms G1961S.
Identifiers: ClinVar variation 2377165 (VCV002377165.4), dbSNP rs560450489, ClinGen allele CA3166360.

ClinVar aggregate classification (germline): Conflicting classifications of pathogenicity. Review status: criteria provided, conflicting classifications (1 of 4 stars). 3 submissions from 3 submitters: Uncertain significance (1); Likely benign (2). Last evaluated 2026-02-21.

Conditions:
Inborn genetic diseases. Identifiers: MedGen C0950123, MeSH D030342.
FAT1-related disorder. Also called: FAT1-related condition.

Allele frequency attached by ClinVar (database versions not stated): gnomAD exomes 0.00004; gnomAD 0.00008; ExAC 0.00011; TOPMed 0.00011; 1000 Genomes Project 30x 0.00016; 1000 Genomes Project 0.00020.

Submissions (3):

PreventionGenetics, part of Exact Sciences
Classification: Likely benign for FAT1-related condition. Last evaluated: 2026-02-21. Review status: criteria provided, single submitter. Criteria: ACMG Guidelines, 2015. Collection method: clinical testing. Allele origin: germline.
Comment: This variant is classified as likely benign based on ACMG/AMP sequence variant interpretation guidelines (Richards et al. 2015 PMID: 25741868, with internal and published modifications).

Labcorp Genetics (formerly Invitae), Labcorp
Classification: Uncertain significance. Last evaluated: 2026-01-15. Review status: criteria provided, single submitter. Criteria: Invitae Variant Classification Sherloc (09022015). Collection method: clinical testing. Allele origin: germline.
Comment: This sequence change replaces glycine, which is neutral and non-polar, with serine, which is neutral and polar, at codon 1961 of the FAT1 protein (p.Gly1961Ser). This variant is present in population databases (rs560450489, gnomAD 0.1%). This variant has not been reported in the literature in individuals affected with FAT1-related conditions. ClinVar contains an entry for this variant (Variation ID: 2377165). An algorithm developed to predict the effect of missense changes on protein structure and function outputs the following: PolyPhen-2: "Benign". The serine amino acid residue is found in multiple mammalian species, which suggests that this missense change does not adversely affect protein function. In summary, the available evidence is currently insufficient to determine the role of this variant in disease. Therefore, it has been classified as a Variant of Uncertain Significance.

Ambry Genetics
Classification: Likely benign for Inborn genetic diseases. Last evaluated: 2022-09-14. Review status: criteria provided, single submitter. Criteria: Ambry Variant Classification Scheme 2023. Collection method: clinical testing. Allele origin: germline.